The following is an entry in ClinVar:

NM_012309.5(SHANK2):c.51C>T (p.Ser17=)

Gene: SHANK2 (SH3 and multiple ankyrin repeat domains 2; minus strand). Cytogenetic location: 11q13.4.
Variant type: single nucleotide variant.
Coding change: c.51C>T on transcript NM_012309.5 (MANE Select); coding-DNA position 51, C replaced by T.
Protein change: p.Ser17=; no amino-acid change (serine 17 retained).
Molecular consequence: synonymous variant.
Genome position (GRCh38, 1-based): chr11:71,147,276, G>A on the plus strand (C>T on the coding strand, the complement: SHANK2 is on the minus strand). VCF-style: chr11-71147276-G-A. GRCh37 (hg19) VCF-style: chr11-70858322-G-A.
Identifiers: ClinVar variation 305929 (VCV000305929.31), dbSNP rs376267466, ClinGen allele CA6162188.

ClinVar aggregate classification (germline): Conflicting classifications of pathogenicity. Review status: criteria provided, conflicting classifications (1 of 4 stars). 3 submissions from 3 submitters: Uncertain significance (1); Likely benign (2). Last evaluated 2025-05-01.

Allele frequency attached by ClinVar (database versions not stated): 1000 Genomes Project 0.00200; 1000 Genomes Project 30x 0.00234; gnomAD 0.00242 and 0.00265; TOPMed 0.00246; ESP Exome Variant Server 0.00263; gnomAD exomes 0.00040 and 0.00077; ExAC 0.00139.
gnomAD v4.1: 981 of 1,551,042 alleles (0.063%); highest among the groups gnomAD compares: African/African-American, 0.82%; 2 homozygotes.

Submissions (3):

CeGaT Center for Human Genetics Tuebingen
Classification: Likely benign. Last evaluated: 2025-05-01. Review status: criteria provided, single submitter. Criteria: CeGaT Center For Human Genetics Tuebingen Variant Classification Criteria Version 2. Collection method: clinical testing. Allele origin: germline. Affected: yes. Observed: 4 variant alleles.
Comment: SHANK2: BP4, BP7

Blueprint Genetics
Classification: Likely benign. Last evaluated: 2024-10-09. Review status: criteria provided, single submitter. Criteria: ACMG Guidelines, 2015. Collection method: clinical testing. Allele origin: germline.

Breakthrough Genomics
Classification: Uncertain significance. Review status: criteria provided, single submitter. Criteria: ACMG Guidelines, 2015. Collection method: not provided. Allele origin: germline. Inheritance: Unknown mechanism. Affected: yes.